The following is an entry in ClinVar:

NM_015915.5(ATL1):c.1484G>A (p.Arg495Gln)

Gene: ATL1 (atlastin GTPase 1; plus strand). Cytogenetic location: 14q22.1.
Variant type: single nucleotide variant.
Coding change: c.1484G>A on transcript NM_015915.5 (MANE Select); coding-DNA position 1484, G replaced by A.
Protein change: p.Arg495Gln; replaces arginine 495 with glutamine.
Molecular consequence: missense variant.
Genome position (GRCh38, 1-based): chr14:50,628,395, G>A. VCF-style: chr14-50628395-G-A. GRCh37 (hg19) VCF-style: chr14-51095113-G-A.
Other names: c.1484G>A, p.Arg495Gln (NM_001127713.1, NM_181598.4); short protein forms R495Q.
Identifiers: ClinVar variation 2179806 (VCV002179806.4), dbSNP rs985551666, ClinGen allele CA260794943.
Genomic context (GRCh38, chr14:50,628,395, plus strand): 5'-GCCTATGCAATATGATAATGGGACTGACCCTTATCACCCTGTGCACTTGGGCATATATCC[G>A]GTACTCTGGAGAATACCGAGAGCTGGGAGCTGTAATAGACCAGGTGGCTGCAGCTCTGTG-3'
Protein context (NP_056999.2, residues 485-505): LITLCTWAYI[Arg495Gln]YSGEYRELGA

ClinVar aggregate classification (germline): Conflicting classifications of pathogenicity. Review status: criteria provided, conflicting classifications (1 of 4 stars). 2 submissions from 2 submitters: Likely pathogenic (1); Uncertain significance (1). Last evaluated 2024-08-13.

Conditions:
Hereditary spastic paraplegia 3A (SPG3A). Also called: SPASTIC PARAPLEGIA 3, AUTOSOMAL DOMINANT; FAMILIAL SPASTIC PARAPLEGIA, AUTOSOMAL DOMINANT, 1; SPG3; STRUMPELL DISEASE; Spastic Paraplegia 3A; Spastic paraplegia 3A, autosomal dominant. Identifiers: Orphanet 100984, MedGen C2931355, MONDO:0008437, OMIM 182600.

Allele frequency attached by ClinVar (database versions not stated): gnomAD 0.00001; TOPMed 0.00001.

Submissions (2):

GeneDx
Classification: Uncertain significance. Last evaluated: 2024-08-13. Review status: criteria provided, single submitter. Criteria: GeneDx Variant Classification Process June 2021. Collection method: clinical testing. Allele origin: germline. Affected: yes.
Comment: Not observed at significant frequency in large population cohorts (gnomAD); In silico analysis supports that this missense variant has a deleterious effect on protein structure/function; Has not been previously published as pathogenic or benign to our knowledge; This variant is associated with the following publications: (PMID: 23334294)

Labcorp Genetics (formerly Invitae), Labcorp
Classification: Likely pathogenic for Hereditary spastic paraplegia 3A. Last evaluated: 2022-05-09. Review status: criteria provided, single submitter. Criteria: Invitae Variant Classification Sherloc (09022015). Collection method: clinical testing. Allele origin: germline.
Comment: In summary, the currently available evidence indicates that the variant is pathogenic, but additional data are needed to prove that conclusively. Therefore, this variant has been classified as Likely Pathogenic. This sequence change replaces arginine, which is basic and polar, with glutamine, which is neutral and polar, at codon 495 of the ATL1 protein (p.Arg495Gln). This variant is not present in population databases (gnomAD no frequency). This variant has not been reported in the literature in individuals affected with ATL1-related conditions. Advanced modeling of protein sequence and biophysical properties (such as structural, functional, and spatial information, amino acid conservation, physicochemical variation, residue mobility, and thermodynamic stability) performed at Invitae indicates that this missense variant is expected to disrupt ATL1 protein function. This variant disrupts the p.Arg495 amino acid residue in ATL1. Other variant(s) that disrupt this residue have been determined to be pathogenic (PMID: 15596607, 15742100, 17502470, 20718791, 20932283). This suggests that this residue is clinically significant, and that variants that disrupt this residue are likely to be disease-causing.

Literature cited by the submitters: PubMed 15596607 (cited by Labcorp Genetics (formerly Invitae), Labcorp); PubMed 15742100 (cited by Labcorp Genetics (formerly Invitae), Labcorp); PubMed 17502470 (cited by Labcorp Genetics (formerly Invitae), Labcorp); PubMed 20718791 (cited by Labcorp Genetics (formerly Invitae), Labcorp); PubMed 20932283 (cited by Labcorp Genetics (formerly Invitae), Labcorp).